The following is an entry in ClinVar:

NM_033004.4(NLRP1):c.2870+3A>G

Gene: NLRP1 (NLR family pyrin domain containing 1; minus strand). Cytogenetic location: 17p13.2.
Variant type: single nucleotide variant.
Coding change: c.2870+3A>G on transcript NM_033004.4 (MANE Select); 3 bases into the intron after coding-DNA position 2870, A replaced by G.
Molecular consequence: intron variant.
Genome position (GRCh38, 1-based): chr17:5,539,412, T>C on the plus strand (A>G on the coding strand, the complement: NLRP1 is on the minus strand). VCF-style: chr17-5539412-T-C. GRCh37 (hg19) VCF-style: chr17-5442732-T-C.
Other names: c.2870+3A>G (NM_001033053.3, NM_033007.4, NM_033006.4 and 1 more transcripts).
Identifiers: ClinVar variation 1524426 (VCV001524426.6), dbSNP rs201872287, ClinGen allele CA8327036.

ClinVar aggregate classification (germline): Uncertain significance (1 of 4 stars; one submission).

Allele frequency attached by ClinVar (database versions not stated): gnomAD 0.00001 and 0.00002; ExAC 0.00002; gnomAD exomes 0.00002; TOPMed 0.00002.
gnomAD v4.1: 30 of 1,610,700 alleles (0.0019%); highest among the groups gnomAD compares: Non-Finnish European, 0.0025%; no homozygotes.

Submission:

Labcorp Genetics (formerly Invitae), Labcorp
Classification: Uncertain significance. Last evaluated: 2024-10-16. Review status: criteria provided, single submitter. Criteria: Invitae Variant Classification Sherloc (09022015). Collection method: clinical testing. Allele origin: germline.
Comment: This sequence change falls in intron 7 of the NLRP1 gene. It does not directly change the encoded amino acid sequence of the NLRP1 protein. It affects a nucleotide within the consensus splice site. This variant is present in population databases (rs201872287, gnomAD 0.005%). This variant has not been reported in the literature in individuals affected with NLRP1-related conditions. ClinVar contains an entry for this variant (Variation ID: 1524426). Variants that disrupt the consensus splice site are a relatively common cause of aberrant splicing (PMID: 17576681, 9536098). Algorithms developed to predict the effect of sequence changes on RNA splicing suggest that this variant is not likely to affect RNA splicing. In summary, the available evidence is currently insufficient to determine the role of this variant in disease. Therefore, it has been classified as a Variant of Uncertain Significance.

Literature cited by the submitters: PubMed 17576681; PubMed 9536098.